The following is an entry in ClinVar:

NM_032409.3(PINK1):c.1194G>A (p.Leu398=)

Genes: PINK1 (PTEN induced kinase 1; plus strand), PINK1-AS (PINK1 antisense RNA; minus strand). Cytogenetic location: 1p36.12.
Variant type: single nucleotide variant.
Coding change: c.1194G>A on transcript NM_032409.3 (MANE Select); coding-DNA position 1194, G replaced by A.
Protein change: p.Leu398=; no amino-acid change (leucine 398 retained).
Molecular consequence: synonymous variant. On other transcripts: non-coding transcript variant (1).
Genome position (GRCh38, 1-based): chr1:20,648,575, G>A. VCF-style: chr1-20648575-G-A. GRCh37 (hg19) VCF-style: chr1-20975068-G-A.
Identifiers: ClinVar variation 875861 (VCV000875861.4), dbSNP rs1214490830, ClinGen allele CA416489992.

ClinVar aggregate classification (germline): Uncertain significance (1 of 4 stars; one submission).

Conditions:
Autosomal recessive early-onset Parkinson disease 6 (PARK6). Also called: PINK1-Related Parkinson Disease; PINK1 Type of Young-Onset Parkinson Disease; PARKINSON DISEASE 6, EARLY-ONSET; PARKINSON DISEASE 6, MODIFIER OF. Identifiers: Orphanet 2828, MedGen C1853833, MONDO:0011613, OMIM 605909.

Allele frequency attached by ClinVar (database versions not stated): gnomAD 0.00001; gnomAD exomes 0.00001.
gnomAD v4.1: 10 of 1,614,146 alleles (0.00062%); highest among the groups gnomAD compares: Middle Eastern, 0.033%; no homozygotes.

Submission:

Illumina Laboratory Services, Illumina
Classification: Uncertain significance for Autosomal recessive early-onset Parkinson disease 6. Last evaluated: 2017-04-27. Review status: criteria provided, single submitter. Criteria: ICSL Variant Classification Criteria 13 December 2019. Collection method: clinical testing. Allele origin: germline.
Comment: This variant was observed as part of a predisposition screen in an ostensibly healthy population. A literature search was performed for the gene, cDNA change, and amino acid change (where applicable). Publications were found based on this search. However, the evidence from the literature, in combination with allele frequency data from public databases where available, was not sufficient to rule this variant in or out of causing disease. Therefore, this variant is classified as a variant of unknown significance.

Literature cited by the submitters: PubMed 23459931.